The following is an entry in ClinVar:

ClinVar aggregate classification (germline): Likely pathogenic. Review status: reviewed by expert panel (3 of 4 stars). 28 submissions from 27 submitters: Likely pathogenic (1). 27 of the submissions do not count toward it. Last evaluated 2023-11-15.

Conditions:
USH2A-related disorder. Also called: USH2A-related disorders; USH2A-related condition. Identifiers: MedGen CN239332.
Monogenic hearing loss.
Usher syndrome. Also called: Usher's syndrome; Usher Syndromes. Identifiers: Orphanet 886, MedGen CN469326, MeSH D052245, MONDO:0019501. Disease mechanism: loss of function.
Retinal dystrophy. Also called: Inherited retinal dystrophy. Identifiers: Orphanet 71862, MedGen C0854723, MeSH D058499, MONDO:0019118, HP:0000556.
Retinitis pigmentosa 39 (RP39). Identifiers: Orphanet 791, MedGen C3151138, MONDO:0013436, OMIM 613809.
Usher syndrome type 2A. Also called: RETINAL DISEASE IN USHER SYNDROME TYPE IIA, MODIFIER OF; USHER SYNDROME, TYPE IIA. Identifiers: Orphanet 231178, Orphanet 886, MedGen C1848634, MONDO:0010169, OMIM 276901.
Retinitis pigmentosa (RP). Identifiers: Orphanet 791, MedGen C0035334, MeSH D012174, MONDO:0019200, OMIM 268000. Inheritance: Autosomal dominant, autosomal recessive and X linked inheritance.

Allele frequency attached by ClinVar (database versions not stated): ExAC 0.00002; gnomAD 0.00003 and 0.00004; gnomAD exomes 0.00003 and 0.00010; TOPMed 0.00005.
gnomAD v4.1: 149 of 1,613,958 alleles (0.0092%); highest among the groups gnomAD compares: Non-Finnish European, 0.012%; no homozygotes.

Submissions 1 to 8 of 28:

ClinGen Hearing Loss Variant Curation Expert Panel
Classification: Likely pathogenic for Usher syndrome. Last evaluated: 2023-11-15. Review status: reviewed by expert panel. Criteria: Clingen Hl Acmg Specifications Cdh23 Coch Gjb2 Kcnq4 Myo6 Myo7a Slc26a4 Tecta Ush2a V2. Collection method: curation. Allele origin: germline. Inheritance: Autosomal recessive inheritance.
Comment: The c.12574C>T variant in USH2A is a missense variant predicted to cause substitution of arginine by cysteine at amino acid 4192 (p.Arg4192Cys). The highest population minor allele frequency in gnomAD v4.0 is 0.012% (144/1180032 alleles) in the European (non-Finnish) population (PM2_Supporting, BS1, and BA1 are not met). The computational predictor REVEL gives a score of 0.599, which is neither above nor below the thresholds predicting a damaging or benign impact on USH2A function. This variant was observed in at least 2 individuals with Usher syndrome and at least 10 individuals with isolated retinitis pigmentosa (RP) who were either homozygous or who carried a second P/LP variant in USH2A (PMID: 24516651, 27460420, 23940504, 27157150, 34906470, 24625443, 28127548, 28041643, 30190494, 29912909, 32176120, 33576794, 34781295, 36785559). At least one of these individuals was clinically evaluated and confirmed to have both sensorineural hearing loss and retinitis pigmentosa, which are highly specific for Usher syndrome (PP4; PMID: 27460420). Of note, an additional proband harbored this variant in cis with the known pathogenic p.Cys759Phe variant (PMID: 29912909), however the VCEP felt that the evidence supporting the pathogenicity of the p.Arg4192Cys variant outweighed this observation. Patients with this variant may present with either autosomal recessive (AR) Usher syndrome or with AR isolated RP. Isolated RP presentations are more common when the variant is seen with missense variants while Usher syndrome is more common when it is found with truncating variants. In summary, the clinical significance of this variant is likely pathogenic based on the ACMG/AMP criteria applied as specified by the Hearing Loss Expert Panel: PM3_VeryStrong, PP4. (ClinGen Hearing Loss VCEP specifications version 2, 11.15.2023)

PreventionGenetics, part of Exact Sciences
Classification: Likely pathogenic for USH2A-related condition. Last evaluated: 2026-04-10. Review status: criteria provided, single submitter. Criteria: ACMG Guidelines, 2015. Collection method: clinical testing. Allele origin: germline. Not counted in ClinVar's aggregate classification.
Comment: The USH2A c.12574C>T variant is predicted to result in the amino acid substitution p.Arg4192Cys. This variant has been reported many times in individuals with Usher syndrome or non-syndromic retinitis pigmentosa (see for examples: Corton et al. 2013. PubMed ID: 23940504; Table S1, Weisschuh et al. 2020. PubMed ID: 32531858; Table S1, Lin et al. 2024. PubMed ID: 38219857). This variant is present in 0.0071% of alleles in individuals of European (Non-Finnish) descent in gnomAD. This variant has been classified as likely pathogenic by the ClinGen Hearing Loss Variant Curation Expert Panel (Variation ID: 281818). Given the evidence, we interpret this variant as likely pathogenic.

Labcorp Genetics (formerly Invitae), Labcorp
Classification: Pathogenic. Last evaluated: 2025-12-19. Review status: criteria provided, single submitter. Criteria: Invitae Variant Classification Sherloc (09022015). Collection method: clinical testing. Allele origin: germline. Not counted in ClinVar's aggregate classification.
Comment: This sequence change replaces arginine, which is basic and polar, with cysteine, which is neutral and slightly polar, at codon 4192 of the USH2A protein (p.Arg4192Cys). This variant is present in population databases (rs750396156, gnomAD 0.007%). This missense change has been observed in individual(s) with autosomal recessive retinitis pigmentosa (arRP) (PMID: 23940504, 27157150, 29912909, 32176120, 33576794). In at least one individual the data is consistent with being in trans (on the opposite chromosome) from a pathogenic variant. It has also been observed to segregate with disease in related individuals. ClinVar contains an entry for this variant (Variation ID: 281818). Invitae Evidence Modeling of protein sequence and biophysical properties (such as structural, functional, and spatial information, amino acid conservation, physicochemical variation, residue mobility, and thermodynamic stability) indicates that this missense variant is expected to disrupt USH2A protein function with a positive predictive value of 80%. For these reasons, this variant has been classified as Pathogenic.

Institute of Human Genetics, University of Leipzig Medical Center
Classification: Likely pathogenic for Retinitis pigmentosa 39. Last evaluated: 2025-10-27. Review status: criteria provided, single submitter. Criteria: ACMG Guidelines, 2015. Collection method: clinical testing. Allele origin: unknown. Inheritance: Autosomal recessive inheritance. Affected: yes. Not counted in ClinVar's aggregate classification.
Comment: Criteria applied: PM3_STR,PM2,PM5

Genetics Laboratory, Great Ormond Street Hospital NHS Foundation Trust, North Thames Genomic Laboratory Hub
Classification: Likely pathogenic for Monogenic hearing loss. Last evaluated: 2025-10-03. Review status: criteria provided, single submitter. Criteria: ACGS Best Practice Guidelines for Variant Classification in Rare Disease 2024 v1.2. Collection method: clinical testing. Allele origin: germline. Affected: yes. Not counted in ClinVar's aggregate classification.
Comment: PM2_moderate, PM3_strong

GeneDx
Classification: Pathogenic. Last evaluated: 2025-08-30. Review status: criteria provided, single submitter. Criteria: GeneDx Variant Classification Process June 2021. Collection method: clinical testing. Allele origin: germline. Affected: yes. Not counted in ClinVar's aggregate classification.
Comment: In silico analysis supports that this missense variant has a deleterious effect on protein structure/function; This variant is associated with the following publications: (PMID: 32531858, 34758253, 23940504, 24516651, 27157150, 24625443, 25649381, 28041643, 32176120, 32581362, 34426522, 36524988, 31964843, 36460718, 36819107, 37734845, 34906470, 33576794, 36011334, 34948090, 32637036, 34781295, 30190494, 28127548, 35266249, 36785559, 27460420, 29912909)

Natera, Inc.
Classification: Pathogenic for Usher syndrome type 2A. Last evaluated: 2025-01-01. Review status: criteria provided, single submitter. Criteria: Natera Variant Classification Schema (03/2026). Collection method: clinical testing. Allele origin: germline. Not counted in ClinVar's aggregate classification.
Comment: The c.12574C>T variant in USH2A is a missense variant predicted to cause substitution of arginine to cysteine at amino acid 4192. This variant is rare in the general population with a frequency below the threshold expected for the associated phenotype(s). This variant has been observed in one or more individuals affected with the associated recessive disease, as either homozygous or compound heterozygous with a second variant (PMID: 27460420, 28894305, 34948090). This variant has been found together with another disease-causing variant in the same copy of the gene (PMID: 29912909). Given the available evidence, this variant is classified as Pathogenic.

3billion
Classification: Likely pathogenic for Usher syndrome type 2A. Last evaluated: 2024-12-31. Review status: criteria provided, single submitter. Criteria: ACMG Guidelines, 2015. Collection method: clinical testing. Allele origin: germline. Affected: yes. Not counted in ClinVar's aggregate classification.
Comment: The variant is observed at an extremely low frequency in the gnomAD v4.1.0 dataset (total allele frequency: 0.009%). Predicted Consequence/Location: Missense variant. The majority of the known disease-causing variants of this gene are variants expected to result in premature termination of the protein. In silico tool predictions suggest damaging effect of the variant on gene or gene product [REVEL: 0.60 (>=0.6, sensitivity 0.68 and specificity 0.92); 3Cnet: 0.82 (>=0.6, sensitivity 0.72 and precision 0.9)]. The same nucleotide change resulting in the same amino acid change has been previously reported as pathogenic/likely pathogenic with strong evidence (ClinVar ID: VCV000281818 /PMID: 23940504). A different missense change at the same codon (p.Arg4192His) has been reported as pathogenic/likely pathogenic with strong evidence (ClinVar ID: VCV000166434 /3billion dataset). Therefore, this variant is classified as Likely pathogenic according to the recommendation of ACMG/AMP guideline.

NM_206933.4(USH2A):c.12574C>T (p.Arg4192Cys)

Gene: USH2A (usherin; minus strand). Cytogenetic location: 1q41.
Variant type: single nucleotide variant.
Coding change: c.12574C>T on transcript NM_206933.4 (MANE Select); coding-DNA position 12574, C replaced by T.
Protein change: p.Arg4192Cys; replaces arginine 4192 with cysteine.
Molecular consequence: missense variant.
Genome position (GRCh38, 1-based): chr1:215,675,337, G>A on the plus strand (C>T on the coding strand, the complement: USH2A is on the minus strand). VCF-style: chr1-215675337-G-A. GRCh37 (hg19) VCF-style: chr1-215848679-G-A.
Other names: c.12574C>T (NM_206933.3); short protein forms R4192C.
Identifiers: ClinVar variation 281818 (VCV000281818.101), dbSNP rs750396156, ClinGen allele CA1393449.